The following is an entry in ClinVar:

ClinVar aggregate classification (germline): Uncertain significance (1 of 4 stars; one submission).

Conditions:
Immunodeficiency 132A. Also called: Herpes simplex encephalitis, susceptibility to, 3. Identifiers: Orphanet 1930, MedGen C3553868, MONDO:0013920, OMIM 614849.

gnomAD v4.1: 5 of 1,612,698 alleles (0.00031%); highest among the groups gnomAD compares: East Asian, 0.011%; no homozygotes.

Submission:

Labcorp Genetics (formerly Invitae), Labcorp
Classification: Uncertain significance for Immunodeficiency 132A. Last evaluated: 2025-10-14. Review status: criteria provided, single submitter. Criteria: Invitae Variant Classification Sherloc (09022015). Collection method: clinical testing. Allele origin: germline.
Comment: This sequence change replaces serine, which is neutral and polar, with threonine, which is neutral and polar, at codon 203 of the TRAF3 protein (p.Ser203Thr). This variant is present in population databases (rs778307956, gnomAD 0.03%). This variant has not been reported in the literature in individuals affected with TRAF3-related conditions. An algorithm developed to predict the effect of missense changes on protein structure and function (PolyPhen-2) suggests that this variant is likely to be tolerated. In summary, the available evidence is currently insufficient to determine the role of this variant in disease. Therefore, it has been classified as a Variant of Uncertain Significance.

NM_145725.3(TRAF3):c.607T>A (p.Ser203Thr)

Genes: TRAF3 (TNF receptor associated factor 3; plus strand), LOC126862065 (BRD4-independent group 4 enhancer GRCh37_chr14:103352003-103353202; plus strand). Cytogenetic location: 14q32.32.
Variant type: single nucleotide variant.
Coding change: c.607T>A on transcript NM_145725.3 (MANE Select); coding-DNA position 607, T replaced by A.
Protein change: p.Ser203Thr; replaces serine 203 with threonine.
Molecular consequence: missense variant. On other transcripts: intron variant (2).
Genome position (GRCh38, 1-based): chr14:102,886,225, T>A. VCF-style: chr14-102886225-T-A. GRCh37 (hg19) VCF-style: chr14-103352562-T-A.
Other names: c.607T>A, p.Ser203Thr (NM_001385142.1, NM_003300.4, NM_145726.3); c.571-3335T>A (NM_001385143.1); c.570+9700T>A (NM_001199427.2); short protein forms S203T.
Identifiers: ClinVar variation 4744350 (VCV004744350.1).